The following is an entry in ClinVar:

NM_133474.4(ZNF721):c.756G>A (p.Lys252=)

Gene: ZNF721 (zinc finger protein 721; minus strand). Cytogenetic location: 4p16.3.
Variant type: single nucleotide variant.
Coding change: c.756G>A on transcript NM_133474.4 (MANE Select); coding-DNA position 756, G replaced by A.
Protein change: p.Lys252=; no amino-acid change (lysine 252 retained).
Molecular consequence: synonymous variant.
Genome position (GRCh38, 1-based): chr4:443,711, C>T on the plus strand (G>A on the coding strand, the complement: ZNF721 is on the minus strand). VCF-style: chr4-443711-C-T. GRCh37 (hg19) VCF-style: chr4-437500-C-T.
Identifiers: ClinVar variation 3387992 (VCV003387992.14).

ClinVar aggregate classification (germline): Likely benign (1 of 4 stars; one submission).

Submission:

CeGaT Center for Human Genetics Tuebingen
Classification: Likely benign. Last evaluated: 2024-11-01. Review status: criteria provided, single submitter. Criteria: CeGaT Center For Human Genetics Tuebingen Variant Classification Criteria Version 2. Collection method: clinical testing. Allele origin: germline. Affected: yes. Observed: 1 variant allele.
Comment: ZNF721: PM2:Supporting, BP4, BP7